The following is an entry in ClinVar:

ClinVar aggregate classification (germline): Uncertain significance. Review status: criteria provided, multiple submitters, no conflicts (2 of 4 stars). 3 submissions from 3 submitters: Uncertain significance (3). Last evaluated 2025-06-03.

Conditions:
Cardiovascular phenotype. Identifiers: MedGen CN230736.
Cardiomyopathy (CMYO). Also called: Cardiomyopathies. Identifiers: Orphanet 167848, MedGen C0878544, MONDO:0004994, HP:0001638. Inheritance: Various modes of inheritance.

Allele frequency attached by ClinVar (database versions not stated): gnomAD exomes below 0.00001; TOPMed below 0.00001; gnomAD 0.00001.
gnomAD v4.1: 3 of 1,614,070 alleles (0.00019%); highest among the groups gnomAD compares: East Asian, 0.0022%; no homozygotes.

Submissions (3):

Color Diagnostics, LLC DBA Color Health
Classification: Uncertain significance for Cardiomyopathy. Last evaluated: 2025-06-03. Review status: criteria provided, single submitter. Criteria: ACMG Guidelines, 2015. Collection method: clinical testing. Allele origin: germline.
Comment: This missense variant replaces glutamine with arginine at codon 234 of the DSP protein. Computational prediction suggests that this variant may not impact protein structure and function. To our knowledge, functional studies have not been reported for this variant. This variant has not been reported in individuals affected with DSP-related disorders in the literature. This variant has not been identified in the general population by the Genome Aggregation Database (gnomAD). The available evidence is insufficient to determine the role of this variant in disease conclusively. Therefore, this variant is classified as a Variant of Uncertain Significance.

Blueprint Genetics
Classification: Uncertain significance. Last evaluated: 2024-01-17. Review status: criteria provided, single submitter. Criteria: ACMG Guidelines, 2015. Collection method: clinical testing. Allele origin: germline.

Ambry Genetics
Classification: Uncertain significance for Cardiovascular phenotype. Last evaluated: 2022-12-13. Review status: criteria provided, single submitter. Criteria: Ambry Variant Classification Scheme 2023. Collection method: clinical testing. Allele origin: germline.
Comment: The p.Q234R variant (also known as c.701A>G), located in coding exon 5 of the DSP gene, results from an A to G substitution at nucleotide position 701. The glutamine at codon 234 is replaced by arginine, an amino acid with highly similar properties. This amino acid position is conserved. In addition, this alteration is predicted to be tolerated by in silico analysis. Since supporting evidence is limited at this time, the clinical significance of this alteration remains unclear.

NM_004415.4(DSP):c.701A>G (p.Gln234Arg)

Gene: DSP (desmoplakin; plus strand). Cytogenetic location: 6p24.3.
Variant type: single nucleotide variant.
Coding change: c.701A>G on transcript NM_004415.4 (MANE Select); coding-DNA position 701, A replaced by G.
Protein change: p.Gln234Arg; replaces glutamine 234 with arginine.
Molecular consequence: missense variant.
Genome position (GRCh38, 1-based): chr6:7,562,755, A>G. VCF-style: chr6-7562755-A-G. GRCh37 (hg19) VCF-style: chr6-7562988-A-G.
Other names: c.701A>G, p.Gln234Arg (NM_001008844.3, NM_001319034.2, NM_001406591.1); short protein forms Q234R.
Identifiers: ClinVar variation 3224246 (VCV003224246.3), dbSNP rs1758740404, ClinGen allele CA362673582.